The following is an entry in ClinVar:

ClinVar aggregate classification (germline): Uncertain significance. Review status: criteria provided, multiple submitters, no conflicts (2 of 4 stars). 2 submissions from 2 submitters: Uncertain significance (2). Last evaluated 2024-08-05.

gnomAD v4.1: 4 of 1,593,010 alleles (0.00025%); highest among the groups gnomAD compares: Non-Finnish European, 0.00034%; no homozygotes.

Submissions (2):

Labcorp Genetics (formerly Invitae), Labcorp
Classification: Uncertain significance. Last evaluated: 2024-08-05. Review status: criteria provided, single submitter. Criteria: Invitae Variant Classification Sherloc (09022015). Collection method: clinical testing. Allele origin: germline.
Comment: This sequence change replaces glutamic acid, which is acidic and polar, with glutamine, which is neutral and polar, at codon 569 of the THBD protein (p.Glu569Gln). This variant is not present in population databases (gnomAD no frequency). This variant has not been reported in the literature in individuals affected with THBD-related conditions. ClinVar contains an entry for this variant (Variation ID: 1310038). An algorithm developed to predict the effect of missense changes on protein structure and function (PolyPhen-2) suggests that this variant is likely to be disruptive. In summary, the available evidence is currently insufficient to determine the role of this variant in disease. Therefore, it has been classified as a Variant of Uncertain Significance.

GeneDx
Classification: Uncertain significance. Last evaluated: 2019-11-12. Review status: criteria provided, single submitter. Criteria: GeneDx Variant Classification Process June 2021. Collection method: clinical testing. Allele origin: germline. Affected: yes.
Comment: Not observed in large population cohorts (Lek et al., 2016); In silico analysis, which includes protein predictors and evolutionary conservation, supports that this variant does not alter protein structure/function; Has not been previously published as pathogenic or benign to our knowledge

NM_000361.3(THBD):c.1705G>C (p.Glu569Gln)

Gene: THBD (thrombomodulin; minus strand). Cytogenetic location: 20p11.21.
Variant type: single nucleotide variant.
Coding change: c.1705G>C on transcript NM_000361.3 (MANE Select); coding-DNA position 1705, G replaced by C.
Protein change: p.Glu569Gln; replaces glutamic acid 569 with glutamine.
Molecular consequence: missense variant.
Genome position (GRCh38, 1-based): chr20:23,047,800, C>G on the plus strand (G>C on the coding strand, the complement: THBD is on the minus strand). VCF-style: chr20-23047800-C-G. GRCh37 (hg19) VCF-style: chr20-23028437-C-G.
Other names: short protein forms E569Q.
Identifiers: ClinVar variation 1310038 (VCV001310038.9), dbSNP rs865948837, ClinGen allele CA313550194.